The following is an entry in ClinVar:

ClinVar aggregate classification (germline): Uncertain significance (1 of 4 stars; one submission).

Conditions:
Cardiovascular phenotype. Identifiers: MedGen CN230736.

Submission:

Ambry Genetics
Classification: Uncertain significance for Cardiovascular phenotype. Last evaluated: 2021-06-23. Review status: criteria provided, single submitter. Criteria: Ambry Variant Classification Scheme 2023. Collection method: clinical testing. Allele origin: germline.
Comment: The p.K69M variant (also known as c.206A>T), located in coding exon 1 of the PCSK9 gene, results from an A to T substitution at nucleotide position 206. The lysine at codon 69 is replaced by methionine, an amino acid with similar properties. This amino acid position is conserved. In addition, this alteration is predicted to be tolerated by in silico analysis. Since supporting evidence is limited at this time, the clinical significance of this alteration remains unclear.

NM_174936.4(PCSK9):c.206A>T (p.Lys69Met)

Gene: PCSK9 (proprotein convertase subtilisin/kexin type 9; plus strand). Cytogenetic location: 1p32.3.
Variant type: single nucleotide variant.
Coding change: c.206A>T on transcript NM_174936.4 (MANE Select); coding-DNA position 206, A replaced by T.
Protein change: p.Lys69Met; replaces lysine 69 with methionine.
Molecular consequence: missense variant.
Genome position (GRCh38, 1-based): chr1:55,040,043, A>T. VCF-style: chr1-55040043-A-T. GRCh37 (hg19) VCF-style: chr1-55505716-A-T.
Other names: c.206A>T, p.Lys69Met (NM_001407240.1, NM_001407241.1, NM_001407242.1 and 4 more transcripts); c.-529A>T (NM_001407246.1); short protein forms K69M.
Identifiers: ClinVar variation 1785343 (VCV001785343.2), dbSNP rs2523165784, ClinGen allele CA340483257.